The following is an entry in ClinVar:

NM_021956.5(GRIK2):c.1841T>A (p.Phe614Tyr)

Gene: GRIK2 (glutamate ionotropic receptor kainate type subunit 2; plus strand). Cytogenetic location: 6q16.3.
Variant type: single nucleotide variant.
Coding change: c.1841T>A on transcript NM_021956.5 (MANE Select); coding-DNA position 1841, T replaced by A.
Protein change: p.Phe614Tyr; replaces phenylalanine 614 with tyrosine.
Molecular consequence: missense variant.
Genome position (GRCh38, 1-based): chr6:101,924,693, T>A. VCF-style: chr6-101924693-T-A. GRCh37 (hg19) VCF-style: chr6-102372568-T-A.
Other names: c.1841T>A, p.Phe614Tyr (NM_001166247.1, NM_175768.3); c.1841T>A (NM_021956.3); short protein forms F614Y.
Identifiers: ClinVar variation 2681306 (VCV002681306.2), dbSNP rs1789772602.

ClinVar aggregate classification (germline): Uncertain significance. Review status: criteria provided, single submitter (1 of 4 stars). 2 submissions from 2 submitters: Uncertain significance (1). 1 of the submissions does not count toward it. Last evaluated 2025-08-04.

Conditions:
EBV-positive nodal T- and NK-cell lymphoma.

Allele frequency attached by ClinVar (database versions not stated): TOPMed below 0.00001.

Submissions (2):

GeneDx
Classification: Uncertain significance. Last evaluated: 2025-08-04. Review status: criteria provided, single submitter. Criteria: GeneDx Variant Classification Process June 2021. Collection method: clinical testing. Allele origin: germline. Affected: yes.
Comment: Not observed at significant frequency in large population cohorts (gnomAD); In silico analysis supports that this missense variant has a deleterious effect on protein structure/function; Has not been previously published as pathogenic or benign to our knowledge

Department of Clinical Pathology, School of Medicine, Fujita Health University
Classification: Likely benign for EBV-positive nodal T- and NK-cell lymphoma. Review status: no assertion criteria provided. Collection method: research. Allele origin: unknown. Affected: yes. Not counted in ClinVar's aggregate classification.